The following is an entry in ClinVar:

NM_003737.4(DCHS1):c.8210C>A (p.Ala2737Asp)

Gene: DCHS1 (dachsous cadherin-related 1; minus strand). Cytogenetic location: 11p15.4.
Variant type: single nucleotide variant.
Coding change: c.8210C>A on transcript NM_003737.4 (MANE Select); coding-DNA position 8210, C replaced by A.
Protein change: p.Ala2737Asp; replaces alanine 2737 with aspartic acid.
Molecular consequence: missense variant.
Genome position (GRCh38, 1-based): chr11:6,623,466, G>T on the plus strand (C>A on the coding strand, the complement: DCHS1 is on the minus strand). VCF-style: chr11-6623466-G-T. GRCh37 (hg19) VCF-style: chr11-6644697-G-T.
Other names: short protein forms A2737D.
Identifiers: ClinVar variation 4809442 (VCV004809442.1).

ClinVar aggregate classification (germline): Uncertain significance (1 of 4 stars; one submission).

gnomAD v4.1: 4 of 1,582,140 alleles (0.00025%); highest among the groups gnomAD compares: Non-Finnish European, 0.00034%; no homozygotes.

Submission:

Labcorp Genetics (formerly Invitae), Labcorp
Classification: Uncertain significance. Last evaluated: 2025-10-11. Review status: criteria provided, single submitter. Criteria: Invitae Variant Classification Sherloc (09022015). Collection method: clinical testing. Allele origin: germline.
Comment: This sequence change replaces alanine, which is neutral and non-polar, with aspartic acid, which is acidic and polar, at codon 2737 of the DCHS1 protein (p.Ala2737Asp). The frequency data for this variant in the population databases is considered unreliable, as metrics indicate poor data quality at this position in the gnomAD database. This variant has not been reported in the literature in individuals affected with DCHS1-related conditions. Invitae Evidence Modeling of protein sequence and biophysical properties (such as structural, functional, and spatial information, amino acid conservation, physicochemical variation, residue mobility, and thermodynamic stability) indicates that this missense variant is not expected to disrupt DCHS1 protein function with a negative predictive value of 80%. In summary, the available evidence is currently insufficient to determine the role of this variant in disease. Therefore, it has been classified as a Variant of Uncertain Significance.